The following is an entry in ClinVar:

ClinVar aggregate classification (germline): Uncertain significance. Review status: criteria provided, multiple submitters, no conflicts (2 of 4 stars). 3 submissions from 3 submitters: Uncertain significance (3). Last evaluated 2025-05-02.

Conditions:
Dyskeratosis congenita. Identifiers: Orphanet 1775, MedGen C0265965, MONDO:0015780.
Dyskeratosis congenita, autosomal dominant 2. Identifiers: MedGen C3151443, MONDO:0013521, OMIM 613989.
Idiopathic Pulmonary Fibrosis. Also called: Idiopathic fibrosing alveolitis, chronic form; idiopathic fibrosing alveolitis. Identifiers: Orphanet 2032, MedGen C1800706, MeSH D054990, MONDO:0800504.

Allele frequency attached by ClinVar (database versions not stated): TOPMed 0.00001.
gnomAD v4.1: 2 of 1,582,468 alleles (0.00013%); highest among the groups gnomAD compares: African/African-American, 0.0014%; no homozygotes.

Submissions (3):

Ambry Genetics
Classification: Uncertain significance for Dyskeratosis congenita. Last evaluated: 2025-05-02. Review status: criteria provided, single submitter. Criteria: Ambry Variant Classification Scheme 2023. Collection method: clinical testing. Allele origin: germline.
Comment: The p.R293L variant (also known as c.878G>T), located in coding exon 2 of the TERT gene, results from a G to T substitution at nucleotide position 878. The arginine at codon 293 is replaced by leucine, an amino acid with dissimilar properties. This amino acid position is conserved. In addition, the in silico prediction for this alteration is inconclusive. Since supporting evidence is limited at this time, the clinical significance of this alteration remains unclear.

Baylor Genetics
Classification: Uncertain significance for Dyskeratosis congenita, autosomal dominant 2. Last evaluated: 2023-07-21. Review status: criteria provided, single submitter. Criteria: ACMG Guidelines, 2015. Collection method: clinical testing. Allele origin: unknown.

Labcorp Genetics (formerly Invitae), Labcorp
Classification: Uncertain significance for Dyskeratosis congenita, autosomal dominant 2; Idiopathic Pulmonary Fibrosis. Last evaluated: 2023-05-16. Review status: criteria provided, single submitter. Criteria: Invitae Variant Classification Sherloc (09022015). Collection method: clinical testing. Allele origin: germline.
Comment: Advanced modeling of protein sequence and biophysical properties (such as structural, functional, and spatial information, amino acid conservation, physicochemical variation, residue mobility, and thermodynamic stability) has been performed at Invitae for this missense variant, however the output from this modeling did not meet the statistical confidence thresholds required to predict the impact of this variant on TERT protein function. ClinVar contains an entry for this variant (Variation ID: 573273). This variant has not been reported in the literature in individuals affected with TERT-related conditions. This variant is not present in population databases (gnomAD no frequency). This sequence change replaces arginine, which is basic and polar, with leucine, which is neutral and non-polar, at codon 293 of the TERT protein (p.Arg293Leu). In summary, the available evidence is currently insufficient to determine the role of this variant in disease. Therefore, it has been classified as a Variant of Uncertain Significance.

NM_198253.3(TERT):c.878G>T (p.Arg293Leu)

Gene: TERT (telomerase reverse transcriptase; minus strand). Cytogenetic location: 5p15.33.
Variant type: single nucleotide variant.
Coding change: c.878G>T on transcript NM_198253.3 (MANE Select); coding-DNA position 878, G replaced by T.
Protein change: p.Arg293Leu; replaces arginine 293 with leucine.
Molecular consequence: missense variant. On other transcripts: non-coding transcript variant (2).
Genome position (GRCh38, 1-based): chr5:1,294,008, C>A on the plus strand (G>T on the coding strand, the complement: TERT is on the minus strand). VCF-style: chr5-1294008-C-A. GRCh37 (hg19) VCF-style: chr5-1294123-C-A.
Other names: c.878G>T, p.Arg293Leu (NM_001193376.3); short protein forms R293L.
Identifiers: ClinVar variation 573273 (VCV000573273.12), dbSNP rs1309920442, ClinGen allele CA359056350.